The following is an entry in ClinVar:

NM_001099922.3(ALG13):c.1670T>C (p.Met557Thr)

Gene: ALG13 (ALG13 UDP-N-acetylglucosaminyltransferase subunit; plus strand). Cytogenetic location: Xq23.
Variant type: single nucleotide variant.
Coding change: c.1670T>C on transcript NM_001099922.3 (MANE Select); coding-DNA position 1670, T replaced by C.
Protein change: p.Met557Thr; replaces methionine 557 with threonine.
Molecular consequence: missense variant. On other transcripts: non-coding transcript variant (1).
Genome position (GRCh38, 1-based): chrX:111,725,002, T>C. VCF-style: chrX-111725002-T-C. GRCh37 (hg19) VCF-style: chrX-110968230-T-C.
Other names: c.1358T>C, p.Met453Thr (NM_001257230.2, NM_001257234.2, NM_001257237.2); c.1436T>C, p.Met479Thr (NM_001257231.2); c.1670T>C, p.Met557Thr (NM_001324292.2); c.1184T>C, p.Met395Thr (NM_001324293.1); short protein forms M395T, M453T, M479T, M557T.
Identifiers: ClinVar variation 1492956 (VCV001492956.8), dbSNP rs1255485671, ClinGen allele CA414252265.
Genomic context (GRCh38, chrX:111,725,002, plus strand): 5'-TTCCACTGGCTAACTTAAAACCAGTTACCCAAGTGATGTCTGTTCCTGCCTGGAATGCTA[T>C]GCCCAGTCGGAAAGGAAGAGGTTACCAGAAAATGCCTGGGGGTTATGTCCCGGAAATAGG-3'
Protein context (NP_001093392.1, residues 547-567): QVMSVPAWNA[Met557Thr]PSRKGRGYQK

ClinVar aggregate classification (germline): Uncertain significance (1 of 4 stars; one submission).

Conditions:
Developmental and epileptic encephalopathy, 36 (DEE36). Also called: Congenital disorder of glycosylation, type Is; ALG13-CDG; Epileptic encephalopathy, early infantile, 36. Identifiers: Orphanet 324422, MedGen C4317295, MONDO:0010472, OMIM 300884.

Allele frequency attached by ClinVar (database versions not stated): gnomAD exomes 0.00001; gnomAD 0.00002.
gnomAD v4.1: 5 of 1,209,528 alleles (0.00041%); highest among the groups gnomAD compares: African/African-American, 0.0035%; no homozygotes.

Submission:

Labcorp Genetics (formerly Invitae), Labcorp
Classification: Uncertain significance for Developmental and epileptic encephalopathy, 36. Last evaluated: 2022-07-05. Review status: criteria provided, single submitter. Criteria: Invitae Variant Classification Sherloc (09022015). Collection method: clinical testing. Allele origin: germline.
Comment: This sequence change replaces methionine, which is neutral and non-polar, with threonine, which is neutral and polar, at codon 557 of the ALG13 protein (p.Met557Thr). This variant is present in population databases (no rsID available, gnomAD 0.006%). This variant has not been reported in the literature in individuals affected with ALG13-related conditions. ClinVar contains an entry for this variant (Variation ID: 1492956). Algorithms developed to predict the effect of missense changes on protein structure and function (SIFT, PolyPhen-2, Align-GVGD) all suggest that this variant is likely to be tolerated. In summary, the available evidence is currently insufficient to determine the role of this variant in disease. Therefore, it has been classified as a Variant of Uncertain Significance.